The following is an entry in ClinVar:

NM_001142800.2(EYS):c.-201del

Gene: EYS (EGF-like photoreceptor maintenance factor; minus strand). Cytogenetic location: 6q12.
Variant type: Deletion.
Coding change: c.-201del on transcript NM_001142800.2 (MANE Select); 201 bases upstream of the start codon, one base deleted (C; older notation c.-201delC).
Molecular consequence: 5 prime UTR variant.
Genome position (GRCh38, 1-based): chr6:65,495,862, G deleted on the plus strand (C on the coding strand, the reverse complement: EYS is on the minus strand); the first of 2 consecutive G bases (chr6:65,495,862-65,495,863); deleting either gives the same sequence. VCF-style (leftmost placement, unchanged base first): chr6-65495861-CG-C. GRCh37 (hg19) VCF-style: chr6-66205754-CG-C.
Other names: c.-201del (NM_001142801.2, NM_001292009.2, NM_198283.2).
Identifiers: ClinVar variation 1934390 (VCV001934390.5), dbSNP rs1014105033, ClinGen allele CA140435031.

ClinVar aggregate classification (germline): Uncertain significance (1 of 4 stars; one submission).

Submission:

Labcorp Genetics (formerly Invitae), Labcorp
Classification: Uncertain significance. Last evaluated: 2022-06-08. Review status: criteria provided, single submitter. Criteria: Invitae Variant Classification Sherloc (09022015). Collection method: clinical testing. Allele origin: germline.
Comment: This variant occurs in a non-coding region of the EYS gene. It does not change the encoded amino acid sequence of the EYS protein. This variant is not present in population databases (gnomAD no frequency). This variant has not been reported in the literature in individuals affected with EYS-related conditions. Experimental studies and prediction algorithms are not available or were not evaluated, and the functional significance of this variant is currently unknown. In summary, the available evidence is currently insufficient to determine the role of this variant in disease. Therefore, it has been classified as a Variant of Uncertain Significance.